The following is an entry in ClinVar:

ClinVar aggregate classification (germline): Uncertain significance (1 of 4 stars; one submission).

Submission:

Labcorp Genetics (formerly Invitae), Labcorp
Classification: Uncertain significance. Last evaluated: 2024-03-11. Review status: criteria provided, single submitter. Criteria: Invitae Variant Classification Sherloc (09022015). Collection method: clinical testing. Allele origin: germline.
Comment: This sequence change replaces isoleucine, which is neutral and non-polar, with valine, which is neutral and non-polar, at codon 189 of the NDUFS1 protein (p.Ile189Val). This variant is not present in population databases (gnomAD no frequency). This variant has not been reported in the literature in individuals affected with NDUFS1-related conditions. Advanced modeling of protein sequence and biophysical properties (such as structural, functional, and spatial information, amino acid conservation, physicochemical variation, residue mobility, and thermodynamic stability) performed at Invitae indicates that this missense variant is not expected to disrupt NDUFS1 protein function with a negative predictive value of 80%. In summary, the available evidence is currently insufficient to determine the role of this variant in disease. Therefore, it has been classified as a Variant of Uncertain Significance.

NM_005006.7(NDUFS1):c.565A>G (p.Ile189Val)

Gene: NDUFS1 (NADH:ubiquinone oxidoreductase core subunit S1; minus strand). Cytogenetic location: 2q33.3.
Variant type: single nucleotide variant.
Coding change: c.565A>G on transcript NM_005006.7 (MANE Select); coding-DNA position 565, A replaced by G.
Protein change: p.Ile189Val; replaces isoleucine 189 with valine.
Molecular consequence: missense variant.
Genome position (GRCh38, 1-based): chr2:206,147,075, T>C on the plus strand (A>G on the coding strand, the complement: NDUFS1 is on the minus strand). VCF-style: chr2-206147075-T-C. GRCh37 (hg19) VCF-style: chr2-207011799-T-C.
Other names: c.457A>G, p.Ile153Val (NM_001199981.2); c.232A>G, p.Ile78Val (NM_001199982.2); c.394A>G, p.Ile132Val (NM_001199983.2); c.607A>G, p.Ile203Val (NM_001199984.2); short protein forms I153V, I189V, I203V, I78V, I132V.
Identifiers: ClinVar variation 2729969 (VCV002729969.3), dbSNP rs2470064801, ClinGen allele CA350060455.
Genomic context (GRCh38, chr2:206,147,075, plus strand): 5'-ATGTGCCAACTTGCATATCATTTCCTCTGCCTGTTGTTCCCAAATCATCTACTCCTGCAA[T>C]CTCACTTGCAAACCTACAAGATAAAAAATGTGTCATCAATGGTCAAGTCCAGCAAAATTA-3'
Protein context (NP_004997.4, residues 179-199): CTRCIRFASE[Ile189Val]AGVDDLGTTG